The following is an entry in ClinVar:

NM_002470.4(MYH3):c.5405A>C (p.Glu1802Ala)

Gene: MYH3 (myosin heavy chain 3; minus strand). Cytogenetic location: 17p13.1.
Variant type: single nucleotide variant.
Coding change: c.5405A>C on transcript NM_002470.4 (MANE Select); coding-DNA position 5405, A replaced by C.
Protein change: p.Glu1802Ala; replaces glutamic acid 1802 with alanine.
Molecular consequence: missense variant.
Genome position (GRCh38, 1-based): chr17:10,630,340, T>G on the plus strand (A>C on the coding strand, the complement: MYH3 is on the minus strand). VCF-style: chr17-10630340-T-G. GRCh37 (hg19) VCF-style: chr17-10533657-T-G.
Other names: short protein forms E1802A.
Identifiers: ClinVar variation 2050313 (VCV002050313.4), dbSNP rs2508562423, ClinGen allele CA398131145.

ClinVar aggregate classification (germline): Uncertain significance (1 of 4 stars; one submission).

Submission:

Labcorp Genetics (formerly Invitae), Labcorp
Classification: Uncertain significance. Last evaluated: 2025-05-13. Review status: criteria provided, single submitter. Criteria: Invitae Variant Classification Sherloc (09022015). Collection method: clinical testing. Allele origin: germline.
Comment: This sequence change replaces glutamic acid, which is acidic and polar, with alanine, which is neutral and non-polar, at codon 1802 of the MYH3 protein (p.Glu1802Ala). This variant is not present in population databases (gnomAD no frequency). This variant has not been reported in the literature in individuals affected with MYH3-related conditions. ClinVar contains an entry for this variant (Variation ID: 2050313). Invitae Evidence Modeling of protein sequence and biophysical properties (such as structural, functional, and spatial information, amino acid conservation, physicochemical variation, residue mobility, and thermodynamic stability) indicates that this missense variant is not expected to disrupt MYH3 protein function with a negative predictive value of 95%. In summary, the available evidence is currently insufficient to determine the role of this variant in disease. Therefore, it has been classified as a Variant of Uncertain Significance.